The following is an entry in ClinVar:

ClinVar aggregate classification (germline): Likely benign. Review status: criteria provided, multiple submitters, no conflicts (2 of 4 stars). 4 submissions from 4 submitters: Likely benign (3). 1 of the submissions does not count toward it. Last evaluated 2026-01-24.

Conditions:
VPS13B-related disorder. Also called: VPS13B-related condition.
Cohen syndrome (COH1). Also called: PEPPER SYNDROME; Cutis verticis gyrata, retinitis pigmentosa, and sensorineural deafness. Identifiers: Orphanet 193, MedGen C0265223, MONDO:0008999, OMIM 216550.

Allele frequency attached by ClinVar (database versions not stated): TOPMed 0.00003; gnomAD exomes 0.00005 and 0.00010; ExAC 0.00007.
gnomAD v4.1: 28 of 1,614,006 alleles (0.0017%); highest among the groups gnomAD compares: Admixed American, 0.043%; no homozygotes.

Submissions (4):

Labcorp Genetics (formerly Invitae), Labcorp
Classification: Likely benign for Cohen syndrome. Last evaluated: 2026-01-24. Review status: criteria provided, single submitter. Criteria: Invitae Variant Classification Sherloc (09022015). Collection method: clinical testing. Allele origin: germline.

Blueprint Genetics
Classification: Likely benign. Last evaluated: 2020-01-05. Review status: criteria provided, single submitter. Criteria: ACMG Guidelines, 2015. Collection method: clinical testing. Allele origin: germline.

Genetic Services Laboratory, University of Chicago
Classification: Likely benign. Last evaluated: 2017-09-07. Review status: criteria provided, single submitter. Criteria: ACMG Guidelines, 2015. Collection method: clinical testing. Allele origin: germline. Affected: no.

PreventionGenetics, part of Exact Sciences
Classification: Likely benign for VPS13B-related condition. Last evaluated: 2023-01-09. Review status: no assertion criteria provided. Collection method: clinical testing. Allele origin: germline. Not counted in ClinVar's aggregate classification.
Comment: This variant is classified as likely benign based on ACMG/AMP sequence variant interpretation guidelines (Richards et al. 2015 PMID: 25741868, with internal and published modifications).

NM_152564.5(VPS13B):c.7266T>C (p.Gly2422=)

Gene: VPS13B (vacuolar protein sorting 13 homolog B; plus strand). Cytogenetic location: 8q22.2.
Variant type: single nucleotide variant.
Coding change: c.7266T>C on transcript NM_152564.5 (MANE Select); coding-DNA position 7266, T replaced by C.
Protein change: p.Gly2422=; no amino-acid change (glycine 2422 retained).
Molecular consequence: synonymous variant.
Genome position (GRCh38, 1-based): chr8:99,776,793, T>C. VCF-style: chr8-99776793-T-C. GRCh37 (hg19) VCF-style: chr8-100789021-T-C.
Other names: c.7266T>C (NM_152564.4); c.7341T>C, p.Gly2447= (NM_017890.5).
Identifiers: ClinVar variation 1158055 (VCV001158055.15), dbSNP rs766519309, ClinGen allele CA4824186.